The following is an entry in ClinVar:

NM_001394998.1(TANC2):c.5857_5872dup (p.Asp1958fs)

Gene: TANC2 (tetratricopeptide repeat, ankyrin repeat and coiled-coil containing 2; plus strand). Cytogenetic location: 17q23.3.
Variant type: Duplication.
Coding change: c.5857_5872dup on transcript NM_001394998.1 (MANE Select); coding-DNA positions 5857 to 5872, 16 bases duplicated (GCAGTGTCATCTGTGG).
Protein change: p.Asp1958fs; shifts the reading frame from aspartic acid 1958.
Molecular consequence: frameshift variant.
Genome position (GRCh38, 1-based): chr17:63,421,587-63,421,602, GCAGTGTCATCTGTGG duplicated; duplicating any 16 consecutive bases within chr17:63,421,584-63,421,602 gives the same sequence; the c. name uses the placement nearest the transcript's 3' end. VCF-style (leftmost placement, unchanged base first): chr17-63421583-C-CTGGGCAGTGTCATCTG. GRCh37 (hg19) VCF-style: chr17-61498944-C-CTGGGCAGTGTCATCTG.
Other names: c.5635_5650dup, p.Asp1884fs (NM_001411076.1); c.5605_5620dup, p.Asp1874fs (NM_025185.4); short protein forms D1874fs, D1884fs, D1958fs.
Identifiers: ClinVar variation 4712123 (VCV004712123.1).

ClinVar aggregate classification (germline): Uncertain significance (1 of 4 stars; one submission).

Submission:

Labcorp Genetics (formerly Invitae), Labcorp
Classification: Uncertain significance. Last evaluated: 2025-02-02. Review status: criteria provided, single submitter. Criteria: Invitae Variant Classification Sherloc (09022015). Collection method: clinical testing. Allele origin: germline.
Comment: This sequence change creates a premature translational stop signal (p.Asp1874Glyfs*21) in the TANC2 gene. While this is not anticipated to result in nonsense mediated decay, it is expected to disrupt the last 117 amino acid(s) of the TANC2 protein. This variant is not present in population databases (gnomAD no frequency). This variant has not been reported in the literature in individuals affected with TANC2-related conditions. Experimental studies and prediction algorithms are not available or were not evaluated, and the functional significance of this variant is currently unknown. In summary, the available evidence is currently insufficient to determine the role of this variant in disease. Therefore, it has been classified as a Variant of Uncertain Significance.